The following is an entry in ClinVar:

NM_005502.4(ABCA1):c.1441G>C (p.Val481Leu)

Gene: ABCA1 (ATP binding cassette subfamily A member 1; minus strand). Cytogenetic location: 9q31.1.
Variant type: single nucleotide variant.
Coding change: c.1441G>C on transcript NM_005502.4 (MANE Select); coding-DNA position 1441, G replaced by C.
Protein change: p.Val481Leu; replaces valine 481 with leucine.
Molecular consequence: missense variant.
Genome position (GRCh38, 1-based): chr9:104,832,642, C>G on the plus strand (G>C on the coding strand, the complement: ABCA1 is on the minus strand). VCF-style: chr9-104832642-C-G. GRCh37 (hg19) VCF-style: chr9-107594923-C-G.
Other names: short protein forms V481L.
Identifiers: ClinVar variation 3902321 (VCV003902321.1).

ClinVar aggregate classification (germline): Uncertain significance (1 of 4 stars; one submission).

gnomAD v4.1: 1 of 1,614,174 alleles (0.000062%); highest among the groups gnomAD compares: South Asian, 0.0011%; no homozygotes.

Submission:

Women's Health and Genetics/Laboratory Corporation of America, LabCorp
Classification: Uncertain significance. Last evaluated: 2025-05-12. Review status: criteria provided, single submitter. Criteria: LabCorp Variant Classification Summary - May 2015. Collection method: clinical testing. Allele origin: germline.
Comment: Variant summary: ABCA1 c.1441G>C (p.Val481Leu) results in a conservative amino acid change in the encoded protein sequence. Algorithms developed to predict the effect of missense changes on protein structure and function all suggest that this variant is likely to be tolerated. The variant was absent in 251486 control chromosomes (gnomAD). The available data on variant occurrences in the general population are insufficient to allow any conclusion about variant significance. c.1441G>C has not been reported in the literature. However, another variant with the same amino acid change (c.1441G>T, p.V481L) has been observed in at least one individual affected premature coronary artery disease (Teng_2024). The report does not provide unequivocal conclusions about association of the variant with Tangier Disease. To our knowledge, no experimental evidence demonstrating an impact on protein function has been reported. The following publications have been ascertained in the context of this evaluation (PMID: 25215231, 38297435). No submitters have cited clinical-significance assessments for this variant to ClinVar. Based on the evidence outlined above, the variant was classified as uncertain significance.

Literature cited by the submitters: PubMed 25215231; PubMed 38297435.